The following is an entry in ClinVar:

ClinVar aggregate classification (germline): Conflicting classifications of pathogenicity. Review status: criteria provided, conflicting classifications (1 of 4 stars). 3 submissions from 3 submitters: Uncertain significance (2); Benign (1). Last evaluated 2025-01-15.

Conditions:
Hereditary cancer-predisposing syndrome. Also called: Neoplastic Syndromes, Hereditary; Hereditary Cancer Syndrome; Tumor predisposition; Hereditary neoplastic syndrome. Identifiers: Orphanet 140162, MedGen C0027672, MeSH D009386, MONDO:0015356.
Familial cancer of breast. Also called: hereditary breast carcinoma; Hereditary breast cancer; BREAST CANCER, FAMILIAL. Identifiers: Orphanet 227535, MedGen C0346153, MONDO:0016419, OMIM 114480. Disease mechanism: loss of function.

Submissions (3):

Myriad Genetics, Inc.
Classification: Benign for Familial cancer of breast. Last evaluated: 2025-01-15. Review status: criteria provided, single submitter. Criteria: Myriad Autosomal Dominant, Autosomal Recessive and X-Linked Classification Criteria (2023). Collection method: clinical testing. Allele origin: unknown.
Comment: This variant is considered benign. This variant is a silent/synonymous amino acid change and it is not expected to impact splicing.

Color Diagnostics, LLC DBA Color Health
Classification: Uncertain significance for Hereditary cancer-predisposing syndrome. Last evaluated: 2022-12-13. Review status: criteria provided, single submitter. Criteria: ACMG Guidelines, 2015. Collection method: clinical testing. Allele origin: germline.
Comment: This variant is located in the PALB2 protein. To our knowledge, functional studies have not been reported for this variant. This variant has not been reported in individuals affected with PALB2-related disorders in the literature. This variant has not been identified in the general population by the Genome Aggregation Database (gnomAD). The available evidence is insufficient to determine the role of this variant in disease conclusively. Therefore, this variant is classified as a Variant of Uncertain Significance.

Quest Diagnostics Nichols Institute San Juan Capistrano
Classification: Uncertain significance. Last evaluated: 2020-08-25. Review status: criteria provided, single submitter. Criteria: Quest Diagnostics criteria. Collection method: clinical testing. Allele origin: unknown.

NM_024675.4(PALB2):c.2136G>T (p.Ala712=)

Gene: PALB2 (partner and localizer of BRCA2; minus strand). Cytogenetic location: 16p12.2.
Variant type: single nucleotide variant.
Coding change: c.2136G>T on transcript NM_024675.4 (MANE Select); coding-DNA position 2136, G replaced by T.
Protein change: p.Ala712=; no amino-acid change (alanine 712 retained).
Molecular consequence: synonymous variant.
Genome position (GRCh38, 1-based): chr16:23,630,018, C>A on the plus strand (G>T on the coding strand, the complement: PALB2 is on the minus strand). VCF-style: chr16-23630018-C-A. GRCh37 (hg19) VCF-style: chr16-23641339-C-A.
Identifiers: ClinVar variation 993083 (VCV000993083.4), dbSNP rs905951607, ClinGen allele CA494461158.